The following is an entry in ClinVar:

NM_004260.4(RECQL4):c.281C>T (p.Pro94Leu)

Gene: RECQL4 (RecQ like helicase 4; minus strand). Cytogenetic location: 8q24.3.
Variant type: single nucleotide variant.
Coding change: c.281C>T on transcript NM_004260.4 (MANE Select); coding-DNA position 281, C replaced by T.
Protein change: p.Pro94Leu; replaces proline 94 with leucine.
Molecular consequence: missense variant.
Genome position (GRCh38, 1-based): chr8:144,517,123, G>A on the plus strand (C>T on the coding strand, the complement: RECQL4 is on the minus strand). VCF-style: chr8-144517123-G-A. GRCh37 (hg19) VCF-style: chr8-145742507-G-A.
Other names: short protein forms P94L.
Identifiers: ClinVar variation 665738 (VCV000665738.7), dbSNP rs1586830544, ClinGen allele CA372692151.

ClinVar aggregate classification (germline): Uncertain significance. Review status: criteria provided, multiple submitters, no conflicts (2 of 4 stars). 3 submissions from 3 submitters: Uncertain significance (3). Last evaluated 2026-08-02.

Conditions:
Inborn genetic diseases. Identifiers: MedGen C0950123, MeSH D030342.
Baller-Gerold syndrome (BGS). Also called: CRANIOSYNOSTOSIS WITH RADIAL DEFECTS. Identifiers: Orphanet 1225, MedGen C0265308, MONDO:0009039, OMIM 218600.

Submissions (3):

Ambry Genetics
Classification: Uncertain significance for Inborn genetic diseases. Last evaluated: 2026-08-02. Review status: criteria provided, single submitter. Criteria: Ambry Variant Classification Scheme 2023. Collection method: clinical testing. Allele origin: germline.
Comment: The p.P94L variant (also known as c.281C>T), located in coding exon 4 of the RECQL4 gene, results from a C to T substitution at nucleotide position 281. The proline at codon 94 is replaced by leucine, an amino acid with similar properties. This amino acid position is conserved. In addition, this alteration is predicted to be tolerated by in silico analysis. Based on the available evidence, the clinical significance of this variant remains unclear.

Genetic Services Laboratory, University of Chicago
Classification: Uncertain significance. Last evaluated: 2023-01-05. Review status: criteria provided, single submitter. Criteria: ACMG Guidelines, 2015. Collection method: clinical testing. Allele origin: germline. Affected: no.
Comment: DNA sequence analysis of the RECQL4 gene demonstrated a sequence change, c.281C>T, in exon 4 that results in an amino acid change, p.Pro94Leu. This sequence change does not appear to have been previously described in individuals with RECQL4-related disorders and has also not been described in population databases such as ExAC and gnomAD. The p.Pro94Leu change affects a moderately conserved amino acid residue located in a domain of the RECQL4 protein that is not known to be functional. The p.Pro94Leu substitution appears to be benign using several in-silico pathogenicity prediction tools (SIFT, PolyPhen2, Align GVGD, REVEL). Due to insufficient evidences and the lack of functional studies, the clinical significance of the p.Pro94Leu change remains unknown at this time.

Labcorp Genetics (formerly Invitae), Labcorp
Classification: Uncertain significance for Baller-Gerold syndrome. Last evaluated: 2022-12-07. Review status: criteria provided, single submitter. Criteria: Invitae Variant Classification Sherloc (09022015). Collection method: clinical testing. Allele origin: germline.
Comment: In summary, the available evidence is currently insufficient to determine the role of this variant in disease. Therefore, it has been classified as a Variant of Uncertain Significance. Advanced modeling of protein sequence and biophysical properties (such as structural, functional, and spatial information, amino acid conservation, physicochemical variation, residue mobility, and thermodynamic stability) performed at Invitae indicates that this missense variant is not expected to disrupt RECQL4 protein function. ClinVar contains an entry for this variant (Variation ID: 665738). This variant has not been reported in the literature in individuals affected with RECQL4-related conditions. This variant is not present in population databases (gnomAD no frequency). This sequence change replaces proline, which is neutral and non-polar, with leucine, which is neutral and non-polar, at codon 94 of the RECQL4 protein (p.Pro94Leu).